The following is an entry in ClinVar:

ClinVar aggregate classification (germline): Likely pathogenic. Review status: criteria provided, single submitter (1 of 4 stars). 2 submissions from 2 submitters: Likely pathogenic (1). 1 of the submissions does not count toward it. Last evaluated 2026-05-19.

Conditions:
Combined oxidative phosphorylation defect type 24. Also called: Combined oxidative phosphorylation deficiency 24. Identifiers: Orphanet 444458, MedGen C4015643, MONDO:0014547, OMIM 616239.

Allele frequency attached by ClinVar (database versions not stated): gnomAD exomes 0.00001 and 0.00002; TOPMed 0.00002; gnomAD 0.00003; ExAC 0.00002.
gnomAD v4.1: 24 of 1,612,902 alleles (0.0015%); highest among the groups gnomAD compares: Non-Finnish European, 0.0017%; no homozygotes.

Submissions (2):

GeneDx
Classification: Likely pathogenic. Last evaluated: 2026-05-19. Review status: criteria provided, single submitter. Criteria: GeneDx Variant Classification Process June 2021. Collection method: clinical testing. Allele origin: germline.
Comment: Not observed at significant frequency in large population cohorts (gnomAD); In silico analysis supports that this missense variant has a deleterious effect on protein structure/function; This variant is associated with the following publications: (PMID: 33596490, 40264468, 25629079, 35014173, 37950505, 22237560, 26402642, 34690748)

OMIM
Classification: Pathogenic for COMBINED OXIDATIVE PHOSPHORYLATION DEFICIENCY 24. Last evaluated: 2015-01-01. Review status: no assertion criteria provided. Collection method: literature only. Allele origin: germline. Not counted in ClinVar's aggregate classification.

Literature cited by the submitters: PubMed 22237560 (cited by OMIM); PubMed 25629079 (cited by OMIM).

NM_024678.6(NARS2):c.641C>T (p.Pro214Leu)

Gene: NARS2 (asparaginyl-tRNA synthetase 2, mitochondrial; minus strand). Cytogenetic location: 11q14.1.
Variant type: single nucleotide variant.
Coding change: c.641C>T on transcript NM_024678.6 (MANE Select); coding-DNA position 641, C replaced by T.
Protein change: p.Pro214Leu; replaces proline 214 with leucine.
Molecular consequence: missense variant. On other transcripts: 5 prime UTR variant (1).
Genome position (GRCh38, 1-based): chr11:78,528,890, G>A on the plus strand (C>T on the coding strand, the complement: NARS2 is on the minus strand). VCF-style: chr11-78528890-G-A. GRCh37 (hg19) VCF-style: chr11-78239936-G-A.
Other names: c.-41C>T (NM_001243251.2); short protein forms P214L.
Identifiers: ClinVar variation 183151 (VCV000183151.3), dbSNP rs730882155, ClinGen allele CA186000.